The following is an entry in ClinVar:

NM_003896.4(ST3GAL5):c.16G>A (p.Ala6Thr)

Genes: ST3GAL5 (ST3 beta-galactoside alpha-2,3-sialyltransferase 5; minus strand), LOC129934236 (ATAC-STARR-seq lymphoblastoid silent region 11709; plus strand). Cytogenetic location: 2p11.2.
Variant type: single nucleotide variant.
Coding change: c.16G>A on transcript NM_003896.4 (MANE Select); coding-DNA position 16, G replaced by A.
Protein change: p.Ala6Thr; replaces alanine 6 with threonine.
Molecular consequence: missense variant. On other transcripts: 5 prime UTR variant (6).
Genome position (GRCh38, 1-based): chr2:85,888,890, C>T on the plus strand (G>A on the coding strand, the complement: ST3GAL5 is on the minus strand). VCF-style: chr2-85888890-C-T. GRCh37 (hg19) VCF-style: chr2-86116013-C-T.
Other names: c.-947G>A (NM_001354223.2); c.-609G>A (NM_001354224.2); c.-546G>A (NM_001354226.2); c.-256G>A (NM_001354227.2); c.-200G>A (NM_001354229.2); c.-986G>A (NM_001354233.2); c.16G>A, p.Ala6Thr (NM_001363847.1); short protein forms A6T.
Identifiers: ClinVar variation 934533 (VCV000934533.10), dbSNP rs1688074283, ClinGen allele CA347536189.

ClinVar aggregate classification (germline): Uncertain significance (1 of 4 stars; one submission).

Conditions:
GM3 synthase deficiency (SPDRS). Also called: SALT AND PEPPER MENTAL RETARDATION SYNDROME; SALT AND PEPPER DEVELOPMENTAL REGRESSION SYNDROME; AMISH INFANTILE EPILEPSY SYNDROME. Identifiers: Orphanet 171714, Orphanet 370933, MedGen C1836824, MONDO:0018274, OMIM 609056.

gnomAD v4.1: 1 of 1,372,908 alleles (0.000073%); highest among the groups gnomAD compares: Non-Finnish European, 0.000095%; no homozygotes.

Submission:

Labcorp Genetics (formerly Invitae), Labcorp
Classification: Uncertain significance for GM3 synthase deficiency. Last evaluated: 2021-05-26. Review status: criteria provided, single submitter. Criteria: Invitae Variant Classification Sherloc (09022015). Collection method: clinical testing. Allele origin: germline.
Comment: In summary, the available evidence is currently insufficient to determine the role of this variant in disease. Therefore, it has been classified as a Variant of Uncertain Significance. Algorithms developed to predict the effect of missense changes on protein structure and function output the following: SIFT: "Tolerated"; PolyPhen-2: "Benign"; Align-GVGD: "Class C0". The threonine amino acid residue is found in multiple mammalian species, suggesting that this missense change does not adversely affect protein function. These predictions have not been confirmed by published functional studies and their clinical significance is uncertain. This variant has not been reported in the literature in individuals with ST3GAL5-related conditions. The frequency data for this variant in the population databases is considered unreliable, as metrics indicate insufficient coverage at this position in the ExAC database. This sequence change replaces alanine with threonine at codon 6 of the ST3GAL5 protein (p.Ala6Thr). The alanine residue is weakly conserved and there is a small physicochemical difference between alanine and threonine.